The following is an entry in ClinVar:

ClinVar aggregate classification (germline): Pathogenic (1 of 4 stars; one submission).

Conditions:
Inborn genetic diseases. Identifiers: MedGen C0950123, MeSH D030342.

Allele frequency attached by ClinVar (database versions not stated): gnomAD 0.00001; gnomAD exomes 0.00001; TOPMed 0.00001.
gnomAD v4.1: 10 of 1,614,016 alleles (0.00062%); highest among the groups gnomAD compares: Non-Finnish European, 0.00085%; no homozygotes.

Submission:

Ambry Genetics
Classification: Pathogenic for Inborn genetic diseases. Last evaluated: 2022-08-22. Review status: criteria provided, single submitter. Criteria: Ambry Variant Classification Scheme 2023. Collection method: clinical testing. Allele origin: germline.
Comment: The c.3124G>T (p.G1042*) alteration, located in exon 26 (coding exon 26) of the WDR62 gene, consists of a G to T substitution at nucleotide position 3124. This changes the amino acid from a glycine (G) to a stop codon at amino acid position 1042. This alteration is expected to result in loss of function by premature protein truncation or nonsense-mediated mRNA decay. Based on data from gnomAD, the T allele has an overall frequency of <0.001% (1/251398) total alleles studied. The highest observed frequency was 0.001% (1/113686) of European (non-Finnish) alleles. Based on the available evidence, this alteration is classified as pathogenic.

NM_001083961.2(WDR62):c.3124G>T (p.Gly1042Ter)

Gene: WDR62 (WD repeat domain 62; plus strand). Cytogenetic location: 19q13.12.
Variant type: single nucleotide variant.
Coding change: c.3124G>T on transcript NM_001083961.2 (MANE Select); coding-DNA position 3124, G replaced by T.
Protein change: p.Gly1042Ter; replaces glycine 1042 with a stop codon.
Molecular consequence: nonsense. On other transcripts: intron variant (1).
Genome position (GRCh38, 1-based): chr19:36,102,055, G>T. VCF-style: chr19-36102055-G-T. GRCh37 (hg19) VCF-style: chr19-36592957-G-T.
Other names: c.3109G>T, p.Gly1037Ter (NM_001411145.1); c.2773G>T, p.Gly925Ter (NM_001411147.1); c.3124G>T, p.Gly1042Ter (NM_173636.5); c.2972-682G>T (NM_001411146.1); short protein forms G1037*, G925*, G1042*.
Identifiers: ClinVar variation 2295417 (VCV002295417.2), dbSNP rs1361715855, ClinGen allele CA405450144.
Genomic context (GRCh38, chr19:36,102,055, plus strand): 5'-TCCCCTCCTTCCCTGTCAGGATGCGCAGGTCCCACAGAAGATGAGCTGTCCCTGCCCGAG[G>T]GACCCAGCGTCCCCAGCAGCTCCCTACCCCAGACTCCGGAGCAGGAGAAGTTCCTCCGCC-3'